The following is an entry in ClinVar:

ClinVar aggregate classification (germline): Likely benign (1 of 4 stars; one submission).

Allele frequency attached by ClinVar (database versions not stated): gnomAD 0.00002; gnomAD exomes 0.00003; TOPMed 0.00003; ExAC 0.00006; ESP Exome Variant Server 0.00008; 1000 Genomes Project 30x 0.00016; 1000 Genomes Project 0.00020.
gnomAD v4.1: 48 of 1,613,888 alleles (0.003%); highest among the groups gnomAD compares: East Asian, 0.0067%; no homozygotes.

Submission:

CeGaT Center for Human Genetics Tuebingen
Classification: Likely benign. Last evaluated: 2024-04-01. Review status: criteria provided, single submitter. Criteria: CeGaT Center For Human Genetics Tuebingen Variant Classification Criteria Version 2. Collection method: clinical testing. Allele origin: germline. Affected: yes. Observed: 1 variant allele.
Comment: PPP2R2B: BS2

NM_181675.4(PPP2R2B):c.910G>A (p.Val304Ile)

Genes: PPP2R2B (protein phosphatase 2 regulatory subunit Bbeta; minus strand), PPP2R2B-AS2 (PPP2R2B antisense RNA 2; plus strand). Cytogenetic location: 5q32.
Variant type: single nucleotide variant.
Coding change: c.910G>A on transcript NM_181675.4 (MANE Select); coding-DNA position 910, G replaced by A.
Protein change: p.Val304Ile; replaces valine 304 with isoleucine.
Molecular consequence: missense variant. On other transcripts: non-coding transcript variant (2).
Genome position (GRCh38, 1-based): chr5:146,600,341, C>T on the plus strand (G>A on the coding strand, the complement: PPP2R2B is on the minus strand). VCF-style: chr5-146600341-C-T. GRCh37 (hg19) VCF-style: chr5-145979904-C-T.
Other names: c.910G>A, p.Val304Ile (NM_001127381.1, NM_001428277.1, NM_001428279.1 and 1 more transcripts); c.928G>A, p.Val310Ile (NM_001271899.1); c.1084G>A, p.Val362Ile (NM_001271900.2); c.877G>A, p.Val293Ile (NM_001271948.2, NM_181678.2); c.1108G>A, p.Val370Ile (NM_181674.3); c.919G>A, p.Val307Ile (NM_181676.3); c.850G>A, p.Val284Ile (NM_181677.2); short protein forms V284I, V293I, V304I, V307I, V310I, V362I, V370I.
Identifiers: ClinVar variation 3234382 (VCV003234382.20), dbSNP rs369931023, ClinGen allele CA3492622.